The following is an entry in ClinVar:

ClinVar aggregate classification (germline): Uncertain significance (1 of 4 stars; one submission).

Allele frequency attached by ClinVar (database versions not stated): TOPMed below 0.00001; ExAC 0.00001.
gnomAD v4.1: 8 of 1,614,018 alleles (0.0005%); highest among the groups gnomAD compares: Admixed American, 0.0033%; no homozygotes.

Submission:

Labcorp Genetics (formerly Invitae), Labcorp
Classification: Uncertain significance. Last evaluated: 2024-05-08. Review status: criteria provided, single submitter. Criteria: Invitae Variant Classification Sherloc (09022015). Collection method: clinical testing. Allele origin: germline.
Comment: This sequence change replaces alanine, which is neutral and non-polar, with valine, which is neutral and non-polar, at codon 1939 of the DSCAML1 protein (p.Ala1939Val). This variant is present in population databases (rs780074864, gnomAD 0.006%). This variant has not been reported in the literature in individuals affected with DSCAML1-related conditions. ClinVar contains an entry for this variant (Variation ID: 1901156). An algorithm developed to predict the effect of missense changes on protein structure and function (PolyPhen-2) suggests that this variant is likely to be tolerated. In summary, the available evidence is currently insufficient to determine the role of this variant in disease. Therefore, it has been classified as a Variant of Uncertain Significance.

NM_020693.4(DSCAML1):c.5636C>T (p.Ala1879Val)

Gene: DSCAML1 (DS cell adhesion molecule like 1; minus strand). Cytogenetic location: 11q23.3.
Variant type: single nucleotide variant.
Coding change: c.5636C>T on transcript NM_020693.4 (MANE Select); coding-DNA position 5636, C replaced by T.
Protein change: p.Ala1879Val; replaces alanine 1879 with valine.
Molecular consequence: missense variant.
Genome position (GRCh38, 1-based): chr11:117,430,772, G>A on the plus strand (C>T on the coding strand, the complement: DSCAML1 is on the minus strand). VCF-style: chr11-117430772-G-A. GRCh37 (hg19) VCF-style: chr11-117301488-G-A.
Other names: short protein forms A1879V.
Identifiers: ClinVar variation 1901156 (VCV001901156.5), dbSNP rs780074864, ClinGen allele CA6296030.